The following is an entry in ClinVar:

ClinVar aggregate classification (germline): Uncertain significance (1 of 4 stars; one submission).

Submission:

Labcorp Genetics (formerly Invitae), Labcorp
Classification: Uncertain significance. Last evaluated: 2024-06-26. Review status: criteria provided, single submitter. Criteria: Invitae Variant Classification Sherloc (09022015). Collection method: clinical testing. Allele origin: germline.
Comment: This sequence change replaces aspartic acid, which is acidic and polar, with glutamic acid, which is acidic and polar, at codon 251 of the OPA1 protein (p.Asp251Glu). This variant is not present in population databases (gnomAD no frequency). This variant has not been reported in the literature in individuals affected with OPA1-related conditions. Advanced modeling of protein sequence and biophysical properties (such as structural, functional, and spatial information, amino acid conservation, physicochemical variation, residue mobility, and thermodynamic stability) performed at Invitae indicates that this missense variant is not expected to disrupt OPA1 protein function with a negative predictive value of 80%. In summary, the available evidence is currently insufficient to determine the role of this variant in disease. Therefore, it has been classified as a Variant of Uncertain Significance.

NM_130837.3(OPA1):c.918T>A (p.Asp306Glu)

Gene: OPA1 (OPA1 mitochondrial dynamin like GTPase; plus strand). Cytogenetic location: 3q29.
Variant type: single nucleotide variant.
Coding change: c.918T>A on transcript NM_130837.3 (MANE Select); coding-DNA position 918, T replaced by A.
Protein change: p.Asp306Glu; replaces aspartic acid 306 with glutamic acid.
Molecular consequence: missense variant.
Genome position (GRCh38, 1-based): chr3:193,635,492, T>A. VCF-style: chr3-193635492-T-A. GRCh37 (hg19) VCF-style: chr3-193353281-T-A.
Other names: c.384T>A, p.Asp128Glu (NM_001354663.2); c.381T>A, p.Asp127Glu (NM_001354664.2); c.753T>A, p.Asp251Glu (NM_015560.3); c.645T>A, p.Asp215Glu (NM_130831.3); c.699T>A, p.Asp233Glu (NM_130832.3); c.756T>A, p.Asp252Glu (NM_130833.3); c.807T>A, p.Asp269Glu (NM_130834.3); c.810T>A, p.Asp270Glu (NM_130835.3); and 1 more; short protein forms D127E, D233E, D128E, D288E, D306E, D215E, D251E, D252E.
Identifiers: ClinVar variation 3670156 (VCV003670156.2).